The following is an entry in ClinVar:

NM_025219.3(DNAJC5):c.-140GCC[10]

Genes: DNAJC5 (DnaJ heat shock protein family (Hsp40) member C5; plus strand), LOC130066405 (ATAC-STARR-seq lymphoblastoid silent region 13191; plus strand). Cytogenetic location: 20q13.33.
Variant type: Microsatellite.
Coding change: c.-140GCC[10] on transcript NM_025219.3 (MANE Select); ten copies in a row of the 3-base unit GCC starting at c.-140; the reference has seven copies in a row; three copies, 9 bases duplicated.
Molecular consequence: 5 prime UTR variant.
Genome position (GRCh38, 1-based): chr20:63,895,207-63,895,215, GCCGCCGCC duplicated; duplicating any 9 consecutive bases within chr20:63,895,195-63,895,215 gives the same sequence; the position shown is the placement nearest the transcript's 3' end. VCF-style (leftmost placement, unchanged base first): chr20-63895194-T-TGCCGCCGCC. GRCh37 (hg19) VCF-style: chr20-62526547-T-TGCCGCCGCC.
Identifiers: ClinVar variation 2652561 (VCV002652561.24), dbSNP rs531246320, ClinGen allele CA511379398.

ClinVar aggregate classification (germline): Benign (1 of 4 stars; one submission).

Submission:

CeGaT Center for Human Genetics Tuebingen
Classification: Benign. Last evaluated: 2022-06-01. Review status: criteria provided, single submitter. Criteria: CeGaT Center For Human Genetics Tuebingen Variant Classification Criteria Version 2. Collection method: clinical testing. Allele origin: germline. Affected: yes. Observed: 1 variant allele.
Comment: DNAJC5: BS1, BS2